The following is an entry in ClinVar:

ClinVar aggregate classification (germline): Uncertain significance (1 of 4 stars; one submission).

Conditions:
Idiopathic Pulmonary Fibrosis. Also called: Idiopathic fibrosing alveolitis, chronic form; idiopathic fibrosing alveolitis. Identifiers: Orphanet 2032, MedGen C1800706, MeSH D054990, MONDO:0800504.
Dyskeratosis congenita, autosomal dominant 2. Identifiers: MedGen C3151443, MONDO:0013521, OMIM 613989.

Allele frequency attached by ClinVar (database versions not stated): ExAC below 0.00001.

Submission:

Labcorp Genetics (formerly Invitae), Labcorp
Classification: Uncertain significance for Dyskeratosis congenita, autosomal dominant 2; Idiopathic Pulmonary Fibrosis. Last evaluated: 2021-08-28. Review status: criteria provided, single submitter. Criteria: Invitae Variant Classification Sherloc (09022015). Collection method: clinical testing. Allele origin: germline.
Comment: This sequence change replaces arginine with glutamine at codon 185 of the TERT protein (p.Arg185Gln). The arginine residue is weakly conserved and there is a small physicochemical difference between arginine and glutamine. The frequency data for this variant in the population databases is considered unreliable, as metrics indicate poor data quality at this position in the ExAC database. This variant has not been reported in the literature in individuals affected with TERT-related conditions. Algorithms developed to predict the effect of missense changes on protein structure and function output the following: SIFT: "Tolerated"; PolyPhen-2: "Benign"; Align-GVGD: "Class C0". The glutamine amino acid residue is found in multiple mammalian species, which suggests that this missense change does not adversely affect protein function. In summary, the available evidence is currently insufficient to determine the role of this variant in disease. Therefore, it has been classified as a Variant of Uncertain Significance.

NM_198253.3(TERT):c.554G>A (p.Arg185Gln)

Gene: TERT (telomerase reverse transcriptase; minus strand). Cytogenetic location: 5p15.33.
Variant type: single nucleotide variant.
Coding change: c.554G>A on transcript NM_198253.3 (MANE Select); coding-DNA position 554, G replaced by A.
Protein change: p.Arg185Gln; replaces arginine 185 with glutamine.
Molecular consequence: missense variant. On other transcripts: non-coding transcript variant (2).
Genome position (GRCh38, 1-based): chr5:1,294,332, C>T on the plus strand (G>A on the coding strand, the complement: TERT is on the minus strand). VCF-style: chr5-1294332-C-T. GRCh37 (hg19) VCF-style: chr5-1294447-C-T.
Other names: c.554G>A, p.Arg185Gln (NM_001193376.3); short protein forms R185Q.
Identifiers: ClinVar variation 951980 (VCV000951980.7), dbSNP rs749187042, ClinGen allele CA3184958.